The following is an entry in ClinVar:

ClinVar aggregate classification (germline): Likely pathogenic (1 of 4 stars; one submission).

Submission:

GeneDx
Classification: Likely pathogenic. Last evaluated: 2024-07-11. Review status: criteria provided, single submitter. Criteria: GeneDx Variant Classification Process June 2021. Collection method: clinical testing. Allele origin: germline. Affected: yes.
Comment: Nonsense variant predicted to result in protein truncation or nonsense mediated decay in a gene for which loss of function is a known mechanism of disease; Identified in a cohort of patients with autosomal recessive inherited retinal diseases in published literature (PMID: 31964843), but additional evidence is not available; Not observed at significant frequency in large population cohorts (gnomAD); This variant is associated with the following publications: (PMID: 31964843)

NM_015662.3(IFT172):c.2527G>T (p.Glu843Ter)

Genes: IFT172 (intraflagellar transport 172; minus strand), LOC126806174 (CDK7 strongly-dependent group 2 enhancer GRCh37_chr2:27681686-27682885; plus strand). Cytogenetic location: 2p23.3.
Variant type: single nucleotide variant.
Coding change: c.2527G>T on transcript NM_015662.3 (MANE Select); coding-DNA position 2527, G replaced by T.
Protein change: p.Glu843Ter; replaces glutamic acid 843 with a stop codon.
Molecular consequence: nonsense.
Genome position (GRCh38, 1-based): chr2:27,459,824, C>A on the plus strand (G>T on the coding strand, the complement: IFT172 is on the minus strand). VCF-style: chr2-27459824-C-A. GRCh37 (hg19) VCF-style: chr2-27682691-C-A.
Other names: c.2461G>T, p.Glu821Ter (NM_001410739.1); short protein forms E821*, E843*.
Identifiers: ClinVar variation 3572519 (VCV003572519.1).